The following is an entry in ClinVar:

ClinVar aggregate classification (germline): Uncertain significance. Review status: criteria provided, multiple submitters, no conflicts (2 of 4 stars). 2 submissions from 2 submitters: Uncertain significance (2). Last evaluated 2024-10-16.

Submissions (2):

GeneDx
Classification: Uncertain significance. Last evaluated: 2024-10-16. Review status: criteria provided, single submitter. Criteria: GeneDx Variant Classification Process June 2021. Collection method: clinical testing. Allele origin: germline. Affected: yes.
Comment: Not observed at significant frequency in large population cohorts (gnomAD); In silico analysis supports that this missense variant has a deleterious effect on protein structure/function; Has not been previously published as pathogenic or benign to our knowledge

Labcorp Genetics (formerly Invitae), Labcorp
Classification: Uncertain significance. Last evaluated: 2024-10-08. Review status: criteria provided, single submitter. Criteria: Invitae Variant Classification Sherloc (09022015). Collection method: clinical testing. Allele origin: germline.
Comment: This sequence change replaces aspartic acid, which is acidic and polar, with tyrosine, which is neutral and polar, at codon 5422 of the ADGRV1 protein (p.Asp5422Tyr). This variant is not present in population databases (gnomAD no frequency). This variant has not been reported in the literature in individuals affected with ADGRV1-related conditions. ClinVar contains an entry for this variant (Variation ID: 1395531). Invitae Evidence Modeling of protein sequence and biophysical properties (such as structural, functional, and spatial information, amino acid conservation, physicochemical variation, residue mobility, and thermodynamic stability) indicates that this missense variant is not expected to disrupt ADGRV1 protein function with a negative predictive value of 95%. In summary, the available evidence is currently insufficient to determine the role of this variant in disease. Therefore, it has been classified as a Variant of Uncertain Significance.

NM_032119.4(ADGRV1):c.16264G>T (p.Asp5422Tyr)

Gene: ADGRV1 (adhesion G protein-coupled receptor V1; plus strand). Cytogenetic location: 5q14.3.
Variant type: single nucleotide variant.
Coding change: c.16264G>T on transcript NM_032119.4 (MANE Select); coding-DNA position 16264, G replaced by T.
Protein change: p.Asp5422Tyr; replaces aspartic acid 5422 with tyrosine.
Molecular consequence: missense variant. On other transcripts: non-coding transcript variant (1).
Genome position (GRCh38, 1-based): chr5:90,823,492, G>T. VCF-style: chr5-90823492-G-T. GRCh37 (hg19) VCF-style: chr5-90119309-G-T.
Other names: c.16264G>T (NM_032119.3); short protein forms D5422Y.
Identifiers: ClinVar variation 1395531 (VCV001395531.6), dbSNP rs942677707, ClinGen allele CA122804093.